The following is an entry in ClinVar:

NM_001364905.1(LRBA):c.2801A>C (p.Asn934Thr)

Gene: LRBA (LPS responsive beige-like anchor protein; minus strand). Cytogenetic location: 4q31.3.
Variant type: single nucleotide variant.
Coding change: c.2801A>C on transcript NM_001364905.1 (MANE Select); coding-DNA position 2801, A replaced by C.
Protein change: p.Asn934Thr; replaces asparagine 934 with threonine.
Molecular consequence: missense variant.
Genome position (GRCh38, 1-based): chr4:150,852,909, T>G on the plus strand (A>C on the coding strand, the complement: LRBA is on the minus strand). VCF-style: chr4-150852909-T-G. GRCh37 (hg19) VCF-style: chr4-151774061-T-G.
Other names: c.2801A>C, p.Asn934Thr (NM_001199282.3, NM_001367550.1, NM_006726.5); short protein forms N934T.
Identifiers: ClinVar variation 1426088 (VCV001426088.8), dbSNP rs1037035276, ClinGen allele CA358460573.

ClinVar aggregate classification (germline): Uncertain significance (1 of 4 stars; one submission).

Conditions:
Combined immunodeficiency due to LRBA deficiency. Also called: Common variable immunodeficiency 8, with autoimmunity. Identifiers: Orphanet 445018, MedGen C3553512, MONDO:0013863, OMIM 614700.

Submission:

Labcorp Genetics (formerly Invitae), Labcorp
Classification: Uncertain significance for Combined immunodeficiency due to LRBA deficiency. Last evaluated: 2021-01-19. Review status: criteria provided, single submitter. Criteria: Invitae Variant Classification Sherloc (09022015). Collection method: clinical testing. Allele origin: germline.
Comment: In summary, the available evidence is currently insufficient to determine the role of this variant in disease. Therefore, it has been classified as a Variant of Uncertain Significance. Algorithms developed to predict the effect of missense changes on protein structure and function output the following: SIFT: "Tolerated"; PolyPhen-2: "Benign"; Align-GVGD: "Class C0". The threonine amino acid residue is found in multiple mammalian species, suggesting that this missense change does not adversely affect protein function. These predictions have not been confirmed by published functional studies and their clinical significance is uncertain. This variant has not been reported in the literature in individuals with LRBA-related conditions. This variant is not present in population databases (ExAC no frequency). This sequence change replaces asparagine with threonine at codon 934 of the LRBA protein (p.Asn934Thr). The asparagine residue is weakly conserved and there is a small physicochemical difference between asparagine and threonine.